The following is an entry in ClinVar:

ClinVar aggregate classification (germline): Benign. Review status: criteria provided, multiple submitters, no conflicts (2 of 4 stars). 5 submissions from 5 submitters: Benign (4). 1 of the submissions does not count toward it. Last evaluated 2026-02-03.

Conditions:
SCN3A-related disorder. Also called: SCN3A-related condition.

Allele frequency attached by ClinVar (database versions not stated): gnomAD exomes 0.00123 and 0.00338; ExAC 0.00402; 1000 Genomes Project 0.01198; gnomAD 0.01259 and 0.01340; 1000 Genomes Project 30x 0.01327; TOPMed 0.01421; ESP Exome Variant Server 0.01430.

Submissions (5):

Labcorp Genetics (formerly Invitae), Labcorp
Classification: Benign. Last evaluated: 2026-02-03. Review status: criteria provided, single submitter. Criteria: Invitae Variant Classification Sherloc (09022015). Collection method: clinical testing. Allele origin: germline.

Athena Diagnostics
Classification: Benign. Last evaluated: 2024-06-12. Review status: criteria provided, single submitter. Criteria: Athena Diagnostics Criteria. Collection method: clinical testing. Allele origin: unknown.

Mayo Clinic Laboratories, Mayo Clinic
Classification: Benign. Last evaluated: 2022-06-24. Review status: criteria provided, single submitter. Criteria: ACMG Guidelines, 2015. Collection method: clinical testing. Allele origin: germline. Observed: 3 variant alleles.
Comment: BS1, BS2, BP4, BP7

Breakthrough Genomics
Classification: Benign. Review status: criteria provided, single submitter. Criteria: ACMG Guidelines, 2015. Collection method: not provided. Allele origin: germline. Inheritance: Autosomal dominant inheritance. Affected: yes.

PreventionGenetics, part of Exact Sciences
Classification: Benign for SCN3A-related condition. Last evaluated: 2019-06-14. Review status: no assertion criteria provided. Collection method: clinical testing. Allele origin: germline. Not counted in ClinVar's aggregate classification.
Comment: This variant is classified as benign based on ACMG/AMP sequence variant interpretation guidelines (Richards et al. 2015 PMID: 25741868, with internal and published modifications).

NM_006922.4(SCN3A):c.4807+7A>G

Gene: SCN3A (sodium voltage-gated channel alpha subunit 3; minus strand). Cytogenetic location: 2q24.3.
Variant type: single nucleotide variant.
Coding change: c.4807+7A>G on transcript NM_006922.4 (MANE Select); 7 bases into the intron after coding-DNA position 4807, A replaced by G.
Molecular consequence: intron variant.
Genome position (GRCh38, 1-based): chr2:165,092,247, T>C on the plus strand (A>G on the coding strand, the complement: SCN3A is on the minus strand). VCF-style: chr2-165092247-T-C. GRCh37 (hg19) VCF-style: chr2-165948757-T-C.
Other names: p.?; c.4660+7A>G (NM_001081676.2, NM_001081677.2).
Identifiers: ClinVar variation 240711 (VCV000240711.17), dbSNP rs113867009, ClinGen allele CA1938503.
Genomic context (GRCh38, chr2:165,092,247, plus strand): 5'-CAGCTAGAAGGTCCTGGGGCAACTGTTTCTCTGTAACTATACCTCTTGGTAATTAAGCTG[T>C]TCTTACCTACAATGGAGAGAATCACCACCACAAAGTCAAAGATGTTCCAGCCTATAGTGA-3'